The following is an entry in ClinVar:

ClinVar aggregate classification (germline): Uncertain significance. Review status: criteria provided, single submitter (1 of 4 stars). 2 submissions from 2 submitters: Uncertain significance (1). 1 of the submissions does not count toward it. Last evaluated 2023-01-21.

Conditions:
Charcot-Marie-Tooth disease axonal type 2O. Also called: CHARCOT-MARIE-TOOTH NEUROPATHY, AXONAL, TYPE 2O; CHARCOT-MARIE-TOOTH DISEASE, AXONAL, AUTOSOMAL DOMINANT, TYPE 2O; Charcot-Marie-Tooth Neuropathy Type 2O; Charcot-Marie-Tooth disease, axonal, type 20. Identifiers: Orphanet 284232, MedGen C3280220, MONDO:0013644, OMIM 614228.
Distal spinal muscular atrophy. Also called: Distal hereditary motor neuronopathy; Distal hereditary motor neuropathy. Identifiers: Orphanet 53739, MedGen C0393541, MONDO:0018894.

Allele frequency attached by ClinVar (database versions not stated): gnomAD exomes below 0.00001; TOPMed below 0.00001.
gnomAD v4.1: 1 of 1,614,138 alleles (0.000062%); highest among the groups gnomAD compares: Admixed American, 0.0017%; no homozygotes.

Submissions (2):

Labcorp Genetics (formerly Invitae), Labcorp
Classification: Uncertain significance for Charcot-Marie-Tooth disease axonal type 2O. Last evaluated: 2023-01-21. Review status: criteria provided, single submitter. Criteria: Invitae Variant Classification Sherloc (09022015). Collection method: clinical testing. Allele origin: germline.
Comment: In summary, the available evidence is currently insufficient to determine the role of this variant in disease. Therefore, it has been classified as a Variant of Uncertain Significance. Advanced modeling of protein sequence and biophysical properties (such as structural, functional, and spatial information, amino acid conservation, physicochemical variation, residue mobility, and thermodynamic stability) has been performed at Invitae for this missense variant, however the output from this modeling did not meet the statistical confidence thresholds required to predict the impact of this variant on DYNC1H1 protein function. ClinVar contains an entry for this variant (Variation ID: 694843). This variant has not been reported in the literature in individuals affected with DYNC1H1-related conditions. This variant is present in population databases (no rsID available, gnomAD 0.003%). This sequence change replaces asparagine, which is neutral and polar, with histidine, which is basic and polar, at codon 1192 of the DYNC1H1 protein (p.Asn1192His).

Genesis Genome Database
Classification: Uncertain significance for Distal spinal muscular atrophy. Last evaluated: 2019-08-14. Review status: no assertion criteria provided. Collection method: research. Allele origin: germline. Affected: yes. Not counted in ClinVar's aggregate classification.

NM_001376.5(DYNC1H1):c.3574A>C (p.Asn1192His)

Gene: DYNC1H1 (dynein cytoplasmic 1 heavy chain 1; plus strand). Cytogenetic location: 14q32.31.
Variant type: single nucleotide variant.
Coding change: c.3574A>C on transcript NM_001376.5 (MANE Select); coding-DNA position 3574, A replaced by C.
Protein change: p.Asn1192His; replaces asparagine 1192 with histidine.
Molecular consequence: missense variant.
Genome position (GRCh38, 1-based): chr14:101,997,044, A>C. VCF-style: chr14-101997044-A-C. GRCh37 (hg19) VCF-style: chr14-102463381-A-C.
Other names: short protein forms N1192H.
Identifiers: ClinVar variation 694843 (VCV000694843.5), dbSNP rs1265590172, ClinGen allele CA391035638.